The following is an entry in ClinVar:

NM_004415.4(DSP):c.2609T>C (p.Ile870Thr)

Gene: DSP (desmoplakin; plus strand). Cytogenetic location: 6p24.3.
Variant type: single nucleotide variant.
Coding change: c.2609T>C on transcript NM_004415.4 (MANE Select); coding-DNA position 2609, T replaced by C.
Protein change: p.Ile870Thr; replaces isoleucine 870 with threonine.
Molecular consequence: missense variant.
Genome position (GRCh38, 1-based): chr6:7,575,467, T>C. VCF-style: chr6-7575467-T-C. GRCh37 (hg19) VCF-style: chr6-7575700-T-C.
Other names: c.2609T>C, p.Ile870Thr (NM_001008844.3, NM_001319034.2); short protein forms I870T.
Identifiers: ClinVar variation 919613 (VCV000919613.15), dbSNP rs534413559, ClinGen allele CA034175.

ClinVar aggregate classification (germline): Conflicting classifications of pathogenicity. Review status: criteria provided, conflicting classifications (1 of 4 stars). 5 submissions from 5 submitters: Uncertain significance (4); Likely benign (1). Last evaluated 2025-06-18.

Conditions:
Arrhythmogenic cardiomyopathy with wooly hair and keratoderma. Also called: PALMOPLANTAR KERATODERMA WITH LEFT VENTRICULAR CARDIOMYOPATHY AND WOOLLY HAIR; Carvajal syndrome; Dilated cardiomyopathy with woolly hair and keratoderma; Arrhythmogenic cardiomyopathy with woolly hair and keratoderma. Identifiers: Orphanet 65282, MedGen C1854063, MONDO:0011581, OMIM 605676.
Cardiovascular phenotype. Identifiers: MedGen CN230736.
Arrhythmogenic right ventricular dysplasia 8 (ARVD8). Also called: Arrhythmogenic Right Ventricular Dysplasia/Cardiomyopathy 8; ARRHYTHMOGENIC RIGHT VENTRICULAR DYSPLASIA, FAMILIAL, 8; ARRHYTHMOGENIC RIGHT VENTRICULAR CARDIOMYOPATHY 8. Identifiers: MedGen C1843896, MONDO:0011831, OMIM 607450.
Cardiomyopathy (CMYO). Also called: Cardiomyopathies. Identifiers: Orphanet 167848, MedGen C0878544, MONDO:0004994, HP:0001638. Inheritance: Various modes of inheritance.

Allele frequency attached by ClinVar (database versions not stated): gnomAD exomes below 0.00001 and 0.00002; ExAC 0.00001; gnomAD 0.00001; TOPMed 0.00001; 1000 Genomes Project 0.00020; 1000 Genomes Project 30x 0.00031.
gnomAD v4.1: 32 of 1,614,230 alleles (0.002%); highest among the groups gnomAD compares: African/African-American, 0.0027%; no homozygotes.

Submissions (5):

Labcorp Genetics (formerly Invitae), Labcorp
Classification: Likely benign for Arrhythmogenic cardiomyopathy with wooly hair and keratoderma; Arrhythmogenic right ventricular dysplasia 8. Last evaluated: 2025-06-18. Review status: criteria provided, single submitter. Criteria: Invitae Variant Classification Sherloc (09022015). Collection method: clinical testing. Allele origin: germline.

All of Us Research Program, National Institutes of Health
Classification: Uncertain significance for Arrhythmogenic cardiomyopathy with wooly hair and keratoderma. Last evaluated: 2023-05-16. Review status: criteria provided, single submitter. Criteria: ACMG Guidelines, 2015. Collection method: clinical testing. Allele origin: germline. Inheritance: Autosomal dominant inheritance. Observed: 1 variant allele, 1 heterozygote.
Comment: This missense variant replaces isoleucine with threonine at codon 870 of the DSP protein. Computational prediction suggests that this variant may not impact protein structure and function (internally defined REVEL score threshold <= 0.5, PMID: 27666373). To our knowledge, functional studies have not been reported for this variant. This variant has been reported in an individual affected with arrhythmogenic right ventricular cardiomyopathy (PMID: 27532257). This variant has been identified in 1/251396 chromosomes in the general population by the Genome Aggregation Database (gnomAD). The available evidence is insufficient to determine the role of this variant in disease conclusively. Therefore, this variant is classified as a Variant of Uncertain Significance.

This study involves interpretation of variants in research participants for the purpose of population health screening. Participant phenotype was not available at the time of variant classification. Additional details can be found in publication PMID: 35346344, PMCID: PMC8962531

Color Diagnostics, LLC DBA Color Health
Classification: Uncertain significance for Cardiomyopathy. Last evaluated: 2023-03-22. Review status: criteria provided, single submitter. Criteria: ACMG Guidelines, 2015. Collection method: clinical testing. Allele origin: germline.
Comment: This missense variant replaces isoleucine with threonine at codon 870 of the DSP protein. Computational prediction suggests that this variant may not impact protein structure and function (internally defined REVEL score threshold <= 0.5, PMID: 27666373). To our knowledge, functional studies have not been reported for this variant. This variant has been reported in an individual affected with arrhythmogenic right ventricular cardiomyopathy (PMID: 27532257). This variant has been identified in 1/251396 chromosomes in the general population by the Genome Aggregation Database (gnomAD). The available evidence is insufficient to determine the role of this variant in disease conclusively. Therefore, this variant is classified as a Variant of Uncertain Significance.

Victorian Clinical Genetics Services, Murdoch Childrens Research Institute
Classification: Uncertain significance for Arrhythmogenic right ventricular dysplasia 8. Last evaluated: 2022-02-02. Review status: criteria provided, single submitter. Criteria: ACMG Guidelines, 2015. Collection method: clinical testing. Allele origin: germline. Inheritance: Autosomal dominant inheritance. Affected: yes.
Comment: Based on the classification scheme VCGS_Germline_v1.3.4, this variant is classified as VUS-3B. Following criteria are met: 0102 - Loss of function is a known mechanism of disease in this gene and is associated with arrhythmogenic right ventricular dysplasia 8 (ARVC; MIM#607450) and other DSP-related cardiac disorders. (I) 0108 - This gene is associated with both recessive and dominant disease. Variants in this gene are usually inherited in a dominant manner, however rare reports of recessive inheritance have resulted in a more severe cardiac phenotype (OMIM). (I) 0115 - Variants in this gene are known to have variable expressivity. Age-dependent penetrance and variable expressivity are well-described aspects of arrhythmogenic cardiomyopathy (PMID: 29062697). (I) 0200 - Variant is predicted to result in a missense amino acid change from isoleucine to threonine. (I) 0251 - This variant is heterozygous. (I) 0302 - Variant is present in gnomAD (v3) <0.001 for a dominant condition (2 heterozygotes, 0 homozygotes). (SP) 0502 - Missense variant with conflicting in silico predictions and uninformative conservation. (I) 0600 - Variant is located in the annotated spectrin repeat domain (UniProt). (I) 0710 - Other missense variants comparable to the one identified in this case have inconclusive previous evidence for pathogenicity. One alternative change (p.(Ile870Leu)) has been reported as a VUS, and another change (p.(Ile870Met) has been identified in a single individual with idiopathic dilated cardiomyopathy (ClinVar, PMID: 20716751). (I) 0809 - Previous evidence of pathogenicity for this variant is inconclusive. This variant has been observed in a cohort of individuals with ARVC, and classified as a VUS (cardiodb, ClinVar, LOVD). (I) 0905 - No published segregation evidence has been identified for this variant. (I) 1007 - No published functional evidence has been identified for this variant. (I) 1208 - Inheritance information for this variant is not currently available in this individual. (I) Legend: (SP) - Supporting pathogenic, (I) - Information, (SB) - Supporting benign

Ambry Genetics
Classification: Uncertain significance for Cardiovascular phenotype. Last evaluated: 2020-07-23. Review status: criteria provided, single submitter. Criteria: Ambry Variant Classification Scheme 2023. Collection method: clinical testing. Allele origin: germline.
Comment: The p.I870T variant (also known as c.2609T>C), located in coding exon 18 of the DSP gene, results from a T to C substitution at nucleotide position 2609. The isoleucine at codon 870 is replaced by threonine, an amino acid with similar properties. This variant was identified in one individual with arrhythmogenic right ventricular cardiomyopathy in a large study of pathogenicity of Mendelian variants in cardiomyopathy patients; however, clinical details were limited (Walsh R et al. Genet. Med., 2017 02;19:192-203). This amino acid position is well conserved in available vertebrate species. In addition, the in silico prediction for this alteration is inconclusive. Since supporting evidence is limited at this time, the clinical significance of this alteration remains unclear.

Literature cited by the submitters: PubMed 27532257 (cited by 3 submitters); PubMed 20716751 (cited by Victorian Clinical Genetics Services, Murdoch Childrens Research Institute); PubMed 29062697 (cited by Victorian Clinical Genetics Services, Murdoch Childrens Research Institute).